The following is an entry in ClinVar:

ClinVar aggregate classification (germline): Pathogenic (1 of 4 stars; one submission).

Conditions:
Wilson disease (WND). Also called: Wilson's disease. Identifiers: Orphanet 905, MedGen C0019202, MONDO:0010200, OMIM 277900. Disease mechanism: loss of function.

Submission:

Color Diagnostics, LLC DBA Color Health
Classification: Pathogenic for Wilson disease. Last evaluated: 2025-10-02. Review status: criteria provided, single submitter. Criteria: ACMG Guidelines, 2015. Collection method: clinical testing. Allele origin: germline.
Comment: This variant inserts 4 nucleotides in exon 20 of the ATP7B gene, creating a frameshift and premature translation stop signal. This variant is expected to result in an absent or non-functional protein product. To our knowledge, this variant has not been reported in individuals affected with ATP7B-related disorders in the literature. This variant has not been identified in the general population by the Genome Aggregation Database (gnomAD). Loss of ATP7B function is a known mechanism of disease. Based on the available evidence, this variant is classified as Pathogenic.

NM_000053.4(ATP7B):c.4028_4031dup (p.Met1344fs)

Gene: ATP7B (ATPase copper transporting beta; minus strand). Cytogenetic location: 13q14.3.
Variant type: Duplication.
Coding change: c.4028_4031dup on transcript NM_000053.4 (MANE Select); coding-DNA positions 4028 to 4031, 4 bases duplicated (TCAT; older notation c.4028_4031dupTCAT).
Protein change: p.Met1344fs; shifts the reading frame from methionine 1344.
Molecular consequence: frameshift variant.
Genome position (GRCh38, 1-based): chr13:51,935,686-51,935,689, ATGA duplicated on the plus strand (TCAT on the coding strand, the reverse complement: ATP7B is on the minus strand); duplicating any 4 consecutive bases within chr13:51,935,686-51,935,690 gives the same sequence; the c. name uses the placement nearest the transcript's 3' end. VCF-style (leftmost placement, unchanged base first): chr13-51935685-C-CATGA. GRCh37 (hg19) VCF-style: chr13-52509821-C-CATGA.
Other names: c.3776_3779dup, p.Met1260fs (NM_001406532.1, NM_001330579.2, NM_001406531.1); c.3740_3743dup, p.Met1248fs (NM_001406534.1); c.3698_3701dup, p.Met1234fs (NM_001406535.1, NM_001406536.1); c.3689_3692dup, p.Met1231fs (NM_001406537.1); c.3650_3653dup, p.Met1218fs (NM_001406538.1); c.3599_3602dup, p.Met1201fs (NM_001406539.1); c.3581_3584dup, p.Met1195fs (NM_001406540.1); c.3407_3410dup, p.Met1137fs (NM_001005918.3); and 21 more; short protein forms M1063fs, M1117fs, M1128fs, M1137fs, M1150fs, M1180fs, M1182fs, M1195fs.
Identifiers: ClinVar variation 4758109 (VCV004758109.1).